The following is an entry in ClinVar:

ClinVar aggregate classification (germline): Uncertain significance (1 of 4 stars; one submission).

Conditions:
Neonatal-onset encephalopathy with rigidity and seizures. Also called: Lethal neonatal spasticity-epileptic encephalopathy syndrome. Identifiers: Orphanet 435845, MedGen C3281029, MONDO:0013784, OMIM 614498.

Submission:

Labcorp Genetics (formerly Invitae), Labcorp
Classification: Uncertain significance for Neonatal-onset encephalopathy with rigidity and seizures. Last evaluated: 2022-03-12. Review status: criteria provided, single submitter. Criteria: Invitae Variant Classification Sherloc (09022015). Collection method: clinical testing. Allele origin: germline.
Comment: Algorithms developed to predict the effect of missense changes on protein structure and function output the following: SIFT: "Tolerated"; PolyPhen-2: "Benign"; Align-GVGD: "Class C0". The lysine amino acid residue is found in multiple mammalian species, which suggests that this missense change does not adversely affect protein function. This variant has not been reported in the literature in individuals affected with BRAT1-related conditions. This variant is not present in population databases (gnomAD no frequency). This sequence change replaces glutamic acid, which is acidic and polar, with lysine, which is basic and polar, at codon 455 of the BRAT1 protein (p.Glu455Lys). In summary, the available evidence is currently insufficient to determine the role of this variant in disease. Therefore, it has been classified as a Variant of Uncertain Significance.

NM_152743.4(BRAT1):c.1363G>A (p.Glu455Lys)

Gene: BRAT1 (BRCA1 associated ATM activator 1; minus strand). Cytogenetic location: 7p22.3.
Variant type: single nucleotide variant.
Coding change: c.1363G>A on transcript NM_152743.4 (MANE Select); coding-DNA position 1363, G replaced by A.
Protein change: p.Glu455Lys; replaces glutamic acid 455 with lysine.
Molecular consequence: missense variant. On other transcripts: non-coding transcript variant (1).
Genome position (GRCh38, 1-based): chr7:2,541,011, C>T on the plus strand (G>A on the coding strand, the complement: BRAT1 is on the minus strand). VCF-style: chr7-2541011-C-T. GRCh37 (hg19) VCF-style: chr7-2580645-C-T.
Other names: c.1363G>A, p.Glu455Lys (NM_001350626.2); c.838G>A, p.Glu280Lys (NM_001350627.2); short protein forms E455K, E280K.
Identifiers: ClinVar variation 2110455 (VCV002110455.4), dbSNP rs2534337683, ClinGen allele CA366628716.
Genomic context (GRCh38, chr7:2,541,011, plus strand): 5'-TCCTCGCTCTCTATCCCCACCACCGTACCGTGGGGCTGGAGCCGGGGCTCTCGAGGCACT[C>T]CAGGAGGACAGCAAGCGCCTGCGTCACCAGCTCCTGGGGGCCTGAGACAGAGGTGAGTGG-3'
Protein context (NP_689956.2, residues 445-465): LVTQALAVLL[Glu455Lys]CLESPGSSPT